The following is an entry in ClinVar:

ClinVar aggregate classification (germline): Uncertain significance. Review status: reviewed by expert panel (3 of 4 stars). 2 submissions from 2 submitters: Uncertain significance (1). 1 of the submissions does not count toward it. Last evaluated 2019-02-26.

Conditions:
Phenylketonuria (PKU). Also called: Phenylketonuria (PKU); FOLLING DISEASE; OLIGOPHRENIA PHENYLPYRUVICA; Phenylketonurias. Identifiers: Orphanet 716, MedGen C0031485, MONDO:0009861, OMIM 261600. Disease mechanism: loss of function.

Submissions (2):

ClinGen PAH Variant Curation Expert Panel
Classification: Uncertain significance for Phenylketonuria. Last evaluated: 2019-02-26. Review status: reviewed by expert panel. Criteria: ClinGen PAH ACMG Specifications v1. Collection method: curation. Allele origin: germline. Inheritance: Autosomal recessive inheritance.
Comment: VUS: The c.46T>C (p.S16P) variant in PAH has not been reported in the medical literature. It is tolerated by computation predictors: SIFT, Polyphen, MutationTaster, and REVEL=0.567 (BP4). It is however absent from population databases, including gnomAD, 1000 Genomes, and ESP (PM2). In summary this variant meets the criteria to be classified as uncertain significance. PAH-specific ACMG/AMP criteria applied: BP4, PM2.

DeBelle Laboratory for Biochemical Genetics, MUHC/MCH RESEARCH INSTITUTE
No classification provided. Review status: no classification provided. Collection method: not provided. Allele origin: not provided. Not counted in ClinVar's aggregate classification.

NM_000277.3(PAH):c.46T>C (p.Ser16Pro)

Gene: PAH (phenylalanine hydroxylase; minus strand). Cytogenetic location: 12q23.2.
Variant type: single nucleotide variant.
Coding change: c.46T>C on transcript NM_000277.3 (MANE Select); coding-DNA position 46, T replaced by C.
Protein change: p.Ser16Pro; replaces serine 16 with proline.
Molecular consequence: missense variant.
Genome position (GRCh38, 1-based): chr12:102,917,085, A>G on the plus strand (T>C on the coding strand, the complement: PAH is on the minus strand). VCF-style: chr12-102917085-A-G. GRCh37 (hg19) VCF-style: chr12-103310863-A-G.
Other names: c.46T>C, p.Ser16Pro (NM_001354304.2); short protein forms S16P.
Identifiers: ClinVar variation 102689 (VCV000102689.2), dbSNP rs62642946, ClinGen allele CA229564.